The following is an entry in ClinVar:

NM_001201539.2(ARSF):c.1689G>A (p.Lys563=)

Gene: ARSF (arylsulfatase F; plus strand). Cytogenetic location: Xp22.33.
Variant type: single nucleotide variant.
Coding change: c.1689G>A on transcript NM_001201539.2 (MANE Select); coding-DNA position 1689, G replaced by A.
Protein change: p.Lys563=; no amino-acid change (lysine 563 retained).
Molecular consequence: synonymous variant.
Genome position (GRCh38, 1-based): chrX:3,112,472, G>A. VCF-style: chrX-3112472-G-A. GRCh37 (hg19) VCF-style: chrX-3030513-G-A.
Other names: c.1689G>A, p.Lys563= (NM_001201538.2, NM_004042.5); c.1689G>A (NM_004042.4).
Identifiers: ClinVar variation 2659874 (VCV002659874.25), dbSNP rs45556844, ClinGen allele CA10339171.

ClinVar aggregate classification (germline): Likely benign. Review status: criteria provided, single submitter (1 of 4 stars). 2 submissions from 2 submitters: Likely benign (1). 1 of the submissions does not count toward it. Last evaluated 2022-04-01.

Conditions:
ARSF-related disorder. Also called: ARSF-related condition.

Allele frequency attached by ClinVar (database versions not stated): ESP Exome Variant Server 0.00009; TOPMed 0.00017; gnomAD 0.00018; 1000 Genomes Project 30x 0.00021; gnomAD exomes 0.00023; 1000 Genomes Project 0.00026; ExAC 0.00030.
gnomAD v4.1: 272 of 1,209,680 alleles (0.022%); highest among the groups gnomAD compares: Non-Finnish European, 0.026%; no homozygotes.

Submissions (2):

CeGaT Center for Human Genetics Tuebingen
Classification: Likely benign. Last evaluated: 2022-04-01. Review status: criteria provided, single submitter. Criteria: CeGaT Center For Human Genetics Tuebingen Variant Classification Criteria Version 2. Collection method: clinical testing. Allele origin: germline. Affected: yes. Observed: 1 variant allele.
Comment: ARSF: BP4, BP7

PreventionGenetics, part of Exact Sciences
Classification: Likely benign for ARSF-related condition. Last evaluated: 2019-09-10. Review status: no assertion criteria provided. Collection method: clinical testing. Allele origin: germline. Not counted in ClinVar's aggregate classification.
Comment: This variant is classified as likely benign based on ACMG/AMP sequence variant interpretation guidelines (Richards et al. 2015 PMID: 25741868, with internal and published modifications).